The following is an entry in ClinVar:

NM_006579.3(EBP):c.238G>A (p.Glu80Lys)

Gene: EBP (EBP cholestenol delta-isomerase; plus strand). Cytogenetic location: Xp11.23.
Variant type: single nucleotide variant.
Coding change: c.238G>A on transcript NM_006579.3 (MANE Select); coding-DNA position 238, G replaced by A.
Protein change: p.Glu80Lys; replaces glutamic acid 80 with lysine.
Molecular consequence: missense variant.
Genome position (GRCh38, 1-based): chrX:48,524,009, G>A. VCF-style: chrX-48524009-G-A. GRCh37 (hg19) VCF-style: chrX-48382397-G-A.
Other names: short protein forms E80K.
Identifiers: ClinVar variation 11485 (VCV000011485.15), dbSNP rs104894800, ClinGen allele CA255900.

ClinVar aggregate classification (germline): Pathogenic/Likely pathogenic. Review status: criteria provided, multiple submitters, no conflicts (2 of 4 stars). 5 submissions from 5 submitters: Pathogenic (3); Likely pathogenic (1). 1 of the submissions does not count toward it. Last evaluated 2025-07-19.

Conditions:
Connective tissue disorder. Also called: Connective tissue disease. Identifiers: MedGen C0009782, MONDO:0003900.
Chondrodysplasia punctata 2 X-linked dominant (CDPX2). Also called: Hunermann-Conradi Syndrome; CONRADI-HUNERMANN-HAPPLE SYNDROME; HAPPLE SYNDROME; EBP-Related X-Linked Chondrodysplasia Punctata. Identifiers: Orphanet 35173, MedGen C0282102, MONDO:0020603, OMIM 302960.

Submissions (5):

GeneDx
Classification: Pathogenic. Last evaluated: 2025-07-19. Review status: criteria provided, single submitter. Criteria: GeneDx Variant Classification Process June 2021. Collection method: clinical testing. Allele origin: germline. Affected: yes.
Comment: Published functional studies demonstrate that the E80K mutant is functionally inactive (PMID: 10391219); Not observed at significant frequency in large population cohorts (gnomAD); In silico analysis supports that this missense variant has a deleterious effect on protein structure/function; This variant is associated with the following publications: (PMID: 34749431, 10391219, 12503102)

Labcorp Genetics (formerly Invitae), Labcorp
Classification: Pathogenic. Last evaluated: 2022-09-15. Review status: criteria provided, single submitter. Criteria: Invitae Variant Classification Sherloc (09022015). Collection method: clinical testing. Allele origin: germline.
Comment: This missense change has been observed in individual(s) with chondrodysplasia punctata (PMID: 10391219, 11038443, 12503102, 12509714). In at least one individual the variant was observed to be de novo. This variant is not present in population databases (gnomAD no frequency). This sequence change replaces glutamic acid, which is acidic and polar, with lysine, which is basic and polar, at codon 80 of the EBP protein (p.Glu80Lys). ClinVar contains an entry for this variant (Variation ID: 11485). For these reasons, this variant has been classified as Pathogenic. Experimental studies have shown that this missense change affects EBP function (PMID: 10391219). Algorithms developed to predict the effect of missense changes on protein structure and function (SIFT, PolyPhen-2, Align-GVGD) all suggest that this variant is likely to be disruptive.

Genome Diagnostics Laboratory, The Hospital for Sick Children
Classification: Likely pathogenic for Connective tissue disorder. Last evaluated: 2021-08-03. Review status: criteria provided, single submitter. Criteria: ACMG Guidelines, 2015. Collection method: clinical testing. Allele origin: germline.

Genetic Services Laboratory, University of Chicago
Classification: Pathogenic for Chondrodysplasia punctata, X-linked dominant. Last evaluated: 2013-02-08. Review status: criteria provided, single submitter. Criteria: ACMG Guidelines, 2007. Collection method: clinical testing. Allele origin: germline. Inheritance: X-linked inheritance. Affected: yes.

OMIM
Classification: Pathogenic for CHONDRODYSPLASIA PUNCTATA 2, X-LINKED DOMINANT. Last evaluated: 2003-01-30. Review status: no assertion criteria provided. Collection method: literature only. Allele origin: germline. Not counted in ClinVar's aggregate classification.

Literature cited by the submitters: PubMed 10391219 (cited by Labcorp Genetics (formerly Invitae), Labcorp and OMIM); PubMed 11038443 (cited by Labcorp Genetics (formerly Invitae), Labcorp); PubMed 12503102 (cited by Labcorp Genetics (formerly Invitae), Labcorp and OMIM); PubMed 12509714 (cited by Labcorp Genetics (formerly Invitae), Labcorp).